The following is an entry in ClinVar:

NM_001029883.3(PCARE):c.30T>G (p.Leu10=)

Gene: PCARE (photoreceptor cilium actin regulator; minus strand). Cytogenetic location: 2p23.2.
Variant type: single nucleotide variant.
Coding change: c.30T>G on transcript NM_001029883.3 (MANE Select); coding-DNA position 30, T replaced by G.
Protein change: p.Leu10=; no amino-acid change (leucine 10 retained).
Molecular consequence: synonymous variant.
Genome position (GRCh38, 1-based): chr2:29,074,232, A>C on the plus strand (T>G on the coding strand, the complement: PCARE is on the minus strand). VCF-style: chr2-29074232-A-C. GRCh37 (hg19) VCF-style: chr2-29297098-A-C.
Identifiers: ClinVar variation 744773 (VCV000744773.10), dbSNP rs1297052773, ClinGen allele CA425618701.
Genomic context (GRCh38, chr2:29,074,232, plus strand): 5'-TGGCCGAATTGCTTTGGGCTTTTTCAAGAACTGAATGCCACTCTTTGCAACGCTGTTTAC[A>C]AGGTCACTGTGTGAAGGTGTACACCCCATGATTTCAGCTTGTAGTCATCTTCCACCCACC-3'
Protein context (NP_001025054.1, residues 1-20): MGCTPSHSD[Leu10=]VNSVAKSGIQ

ClinVar aggregate classification (germline): Likely benign. Review status: criteria provided, multiple submitters, no conflicts (2 of 4 stars). 3 submissions from 3 submitters: Likely benign (3). Last evaluated 2025-09-19.

Conditions:
PCARE-related disorder. Also called: PCARE-related condition.

Allele frequency attached by ClinVar (database versions not stated): gnomAD 0.00001; gnomAD exomes 0.00001; TOPMed 0.00002.
gnomAD v4.1: 7 of 1,572,658 alleles (0.00045%); highest among the groups gnomAD compares: Admixed American, 0.011%; no homozygotes.

Submissions (3):

PreventionGenetics, part of Exact Sciences
Classification: Likely benign for PCARE-related condition. Last evaluated: 2025-09-19. Review status: criteria provided, single submitter. Criteria: ACMG Guidelines, 2015. Collection method: clinical testing. Allele origin: germline.
Comment: This variant is classified as likely benign based on ACMG/AMP sequence variant interpretation guidelines (Richards et al. 2015 PMID: 25741868, with internal and published modifications).

Labcorp Genetics (formerly Invitae), Labcorp
Classification: Likely benign. Last evaluated: 2025-03-17. Review status: criteria provided, single submitter. Criteria: Invitae Variant Classification Sherloc (09022015). Collection method: clinical testing. Allele origin: germline.

Blueprint Genetics
Classification: Likely benign. Last evaluated: 2022-03-09. Review status: criteria provided, single submitter. Criteria: ACMG Guidelines, 2015. Collection method: clinical testing. Allele origin: germline.